The following is an entry in ClinVar:

ClinVar aggregate classification (germline): Pathogenic/Likely pathogenic. Review status: no assertion criteria provided (0 of 4 stars). 2 submissions from 2 submitters: Pathogenic (1); Likely pathogenic (1). Last evaluated 2024-05-31.

Conditions:
ALG11-related disorder. Also called: ALG11-related condition.
ALG11-congenital disorder of glycosylation. Also called: CONGENITAL DISORDER OF GLYCOSYLATION, TYPE Ip; ALG11-CDG. Identifiers: Orphanet 280071, MedGen C3150913, MONDO:0013349, OMIM 613661.

Submissions (2):

PreventionGenetics, part of Exact Sciences
Classification: Likely pathogenic for ALG11-related condition. Last evaluated: 2024-05-31. Review status: no assertion criteria provided. Collection method: clinical testing. Allele origin: germline.
Comment: The ALG11 c.623_642del20 variant is predicted to result in a frameshift and premature protein termination (p.Ser208Tyrfs*4). This variant was reported in the compound heterozygous state in an individual with congenital disorder of glycosylation 1p (Thiel et al 2012. PubMed ID: 22213132). This variant is reported in 0.0018% of alleles in individuals of European (Non-Finnish) descent in gnomAD. Frameshift variants in ALG11 are expected to be pathogenic. This variant is interpreted as likely pathogenic.

OMIM
Classification: Pathogenic for CONGENITAL DISORDER OF GLYCOSYLATION, TYPE Ip. Last evaluated: 2012-03-01. Review status: no assertion criteria provided. Collection method: literature only. Allele origin: germline.

Literature cited by the submitters: PubMed 22213132 (cited by OMIM).

NM_001004127.3(ALG11):c.623_642del (p.Ser208fs)

Gene: ALG11 (ALG11 alpha-1,2-mannosyltransferase; plus strand). Cytogenetic location: 13q14.3.
Variant type: Deletion.
Coding change: c.623_642del on transcript NM_001004127.3 (MANE Select); coding-DNA positions 623 to 642, 20 bases deleted (CTGTAGTGAAGAATCAAAAT).
Protein change: p.Ser208fs; shifts the reading frame from serine 208.
Molecular consequence: frameshift variant.
Genome position (GRCh38, 1-based): chr13:52,024,353-52,024,372, CTGTAGTGAAGAATCAAAAT deleted; deleting any 20 consecutive bases within chr13:52,024,352-52,024,372 gives the same sequence; the c. name uses the placement nearest the transcript's 3' end. VCF-style (leftmost placement, unchanged base first): chr13-52024351-CTCTGTAGTGAAGAATCAAAA-C. GRCh37 (hg19) VCF-style: chr13-52598487-CTCTGTAGTGAAGAATCAAAA-C.
Other names: c.623_642del20 (NM_001004127.2); short protein forms S208fs.
Identifiers: ClinVar variation 31643 (VCV000031643.2), dbSNP rs387907180, ClinGen allele CA260040.